The following is an entry in ClinVar:

ClinVar aggregate classification (germline): Uncertain significance. Review status: criteria provided, multiple submitters, no conflicts (2 of 4 stars). 2 submissions from 2 submitters: Uncertain significance (2). Last evaluated 2025-09-02.

Conditions:
Inborn genetic diseases. Identifiers: MedGen C0950123, MeSH D030342.

Allele frequency attached by ClinVar (database versions not stated): gnomAD 0.00006; gnomAD exomes 0.00008; TOPMed 0.00009.
gnomAD v4.1: 93 of 1,254,116 alleles (0.0074%); highest among the groups gnomAD compares: Non-Finnish European, 0.0089%; no homozygotes.

Submissions (2):

Labcorp Genetics (formerly Invitae), Labcorp
Classification: Uncertain significance. Last evaluated: 2025-09-02. Review status: criteria provided, single submitter. Criteria: Invitae Variant Classification Sherloc (09022015). Collection method: clinical testing. Allele origin: germline.
Comment: This sequence change replaces valine, which is neutral and non-polar, with phenylalanine, which is neutral and non-polar, at codon 18 of the SLC12A2 protein (p.Val18Phe). This variant is present in population databases (no rsID available, gnomAD 0.01%). This missense change has been observed in individual(s) with clinical features of SLC12A2-related conditions (internal data). ClinVar contains an entry for this variant (Variation ID: 2165244). Invitae Evidence Modeling of protein sequence and biophysical properties (such as structural, functional, and spatial information, amino acid conservation, physicochemical variation, residue mobility, and thermodynamic stability) indicates that this missense variant is not expected to disrupt SLC12A2 protein function with a negative predictive value of 95%. In summary, the available evidence is currently insufficient to determine the role of this variant in disease. Therefore, it has been classified as a Variant of Uncertain Significance.

Ambry Genetics
Classification: Uncertain significance for Inborn genetic diseases. Last evaluated: 2025-06-25. Review status: criteria provided, single submitter. Criteria: Ambry Variant Classification Scheme 2023. Collection method: clinical testing. Allele origin: germline.

NM_001046.3(SLC12A2):c.52G>T (p.Val18Phe)

Genes: SLC12A2 (solute carrier family 12 member 2; plus strand), LOC129994526 (ATAC-STARR-seq lymphoblastoid silent region 16295; plus strand). Cytogenetic location: 5q23.3.
Variant type: single nucleotide variant.
Coding change: c.52G>T on transcript NM_001046.3 (MANE Select); coding-DNA position 52, G replaced by T.
Protein change: p.Val18Phe; replaces valine 18 with phenylalanine.
Molecular consequence: missense variant. On other transcripts: non-coding transcript variant (1).
Genome position (GRCh38, 1-based): chr5:128,084,006, G>T. VCF-style: chr5-128084006-G-T. GRCh37 (hg19) VCF-style: chr5-127419698-G-T.
Other names: c.52G>T (NM_001046.2); c.52G>T, p.Val18Phe (NM_001256461.2); short protein forms V18F.
Identifiers: ClinVar variation 2165244 (VCV002165244.7), dbSNP rs1025704186, ClinGen allele CA126980083.